The following is an entry in ClinVar:

ClinVar aggregate classification (germline): Conflicting classifications of pathogenicity. Review status: criteria provided, conflicting classifications (1 of 4 stars). 8 submissions from 7 submitters: Uncertain significance (1); Benign (5); Likely benign (1). 1 of the submissions does not count toward it. Last evaluated 2026-01-26.

Conditions:
Usher syndrome type 1 (USH1). Also called: RETINITIS PIGMENTOSA AND CONGENITAL DEAFNESS. Identifiers: Orphanet 231169, Orphanet 886, MedGen C1568247, MONDO:0010168, OMIM 276900.
Usher syndrome type 1D (USH1D). Also called: USHER SYNDROME, TYPE ID. Identifiers: Orphanet 231169, Orphanet 886, MedGen C1832845, MONDO:0010984, OMIM 601067.
Autosomal recessive nonsyndromic hearing loss 12. Also called: DEAFNESS, AUTOSOMAL RECESSIVE 12. Identifiers: Orphanet 90636, MedGen C1832394, MONDO:0011067, OMIM 601386.

Allele frequency attached by ClinVar (database versions not stated): gnomAD exomes 0.00044 and 0.00106; ExAC 0.00129; 1000 Genomes Project 0.00319; 1000 Genomes Project 30x 0.00359; ESP Exome Variant Server 0.00439; gnomAD 0.00472 and 0.00511; TOPMed 0.00507.
gnomAD v4.1: 1,371 of 1,613,856 alleles (0.085%); highest among the groups gnomAD compares: African/African-American, 1.7%; 10 homozygotes.

Submissions (8):

Labcorp Genetics (formerly Invitae), Labcorp
Classification: Benign. Last evaluated: 2026-01-26. Review status: criteria provided, single submitter. Criteria: Invitae Variant Classification Sherloc (09022015). Collection method: clinical testing. Allele origin: germline.

Mayo Clinic Laboratories, Mayo Clinic
Classification: Benign. Last evaluated: 2025-03-24. Review status: criteria provided, single submitter. Criteria: ACMG Guidelines, 2015. Collection method: clinical testing. Allele origin: germline. Observed: 1 variant allele.
Comment: BA1, BS2

ARUP Laboratories, Molecular Genetics and Genomics, ARUP Laboratories
Classification: Benign. Last evaluated: 2023-10-14. Review status: criteria provided, single submitter. Criteria: ARUP Molecular Germline Variant Investigation Process 2024. Collection method: clinical testing. Allele origin: germline.

GeneDx
Classification: Benign. Last evaluated: 2019-04-23. Review status: criteria provided, single submitter. Criteria: GeneDx Variant Classification Process June 2021. Collection method: clinical testing. Allele origin: germline. Affected: yes.

Illumina Laboratory Services, Illumina
Classification: Likely benign for Usher syndrome type 1D. Last evaluated: 2018-01-13. Review status: criteria provided, single submitter. Criteria: ICSL Variant Classification Criteria 13 December 2019. Collection method: clinical testing. Allele origin: germline.
Comment: This variant was observed in the ICSL laboratory as part of a predisposition screen in an ostensibly healthy population. It had not been previously curated by ICSL or reported in the Human Gene Mutation Database (HGMD: prior to June 1st, 2018), and was therefore a candidate for classification through an automated scoring system. Utilizing variant allele frequency, disease prevalence and penetrance estimates, and inheritance mode, an automated score was calculated to assess if this variant is too frequent to cause the disease. Based on the score and internal cut-off values, a variant classified as likely benign is not then subjected to further curation. The score for this variant resulted in a classification of likely benign for this disease.

Illumina Laboratory Services, Illumina
Classification: Uncertain significance for Autosomal recessive nonsyndromic hearing loss 12. Last evaluated: 2018-01-13. Review status: criteria provided, single submitter. Criteria: ICSL Variant Classification Criteria 13 December 2019. Collection method: clinical testing. Allele origin: germline.

Laboratory for Molecular Medicine, Mass General Brigham Personalized Medicine
Classification: Benign. Last evaluated: 2012-04-27. Review status: criteria provided, single submitter. Criteria: LMM Criteria. Collection method: clinical testing. Allele origin: germline. Observed: 7 variant alleles.
Comment: Phe1766Ser in exon 41 of CDH23: This variant is not expected to have clinical si gnificance because it has been identified in 1.5% (49/3324) of African American chromosomes from a broad population by the NHLBI Exome sequencing project (dbSNP rs114745089).

Natera, Inc.
Classification: Benign for Usher syndrome type 1. Last evaluated: 2020-04-16. Review status: no assertion criteria provided. Collection method: clinical testing. Allele origin: germline. Not counted in ClinVar's aggregate classification.

NM_022124.6(CDH23):c.5297T>C (p.Phe1766Ser)

Gene: CDH23 (cadherin related 23; plus strand). Cytogenetic location: 10q22.1.
Variant type: single nucleotide variant.
Coding change: c.5297T>C on transcript NM_022124.6 (MANE Select); coding-DNA position 5297, T replaced by C.
Protein change: p.Phe1766Ser; replaces phenylalanine 1766 with serine.
Molecular consequence: missense variant.
Genome position (GRCh38, 1-based): chr10:71,779,376, T>C. VCF-style: chr10-71779376-T-C. GRCh37 (hg19) VCF-style: chr10-73539133-T-C.
Other names: short protein forms F1766S.
Identifiers: ClinVar variation 45973 (VCV000045973.28), dbSNP rs114745089, ClinGen allele CA137475.